The following is an entry in ClinVar:

NM_000051.4(ATM):c.248del (p.Val82_Ser83insTer)

Gene: ATM (ATM serine/threonine kinase; plus strand). Cytogenetic location: 11q22.3.
Variant type: Deletion.
Coding change: c.248del on transcript NM_000051.4 (MANE Select); coding-DNA position 248, one base deleted (C; older notation c.248delC).
Protein change: p.Val82_Ser83insTer.
Molecular consequence: nonsense.
Genome position (GRCh38, 1-based): chr11:108,229,240, C deleted. VCF-style (leftmost placement, unchanged base first): chr11-108229239-TC-T. GRCh37 (hg19) VCF-style: chr11-108099966-TC-T.
Other names: c.248del, p.Val82_Ser83insTer (NM_001351834.2, NM_001351835.2, NM_001351836.2).
Identifiers: ClinVar variation 1451743 (VCV001451743.6), dbSNP rs2135035121, ClinGen allele CA2573146460.

ClinVar aggregate classification (germline): Pathogenic (1 of 4 stars; one submission).

Conditions:
Ataxia-telangiectasia syndrome (AT). Also called: Ataxia-telangiectasia; LOUIS-BAR SYNDROME; AT, COMPLEMENTATION GROUP C; Ataxia-telangiectasia, complementation group E; Ataxia telangiectasia (A-T); Cerebello-oculocutaneous telangiectasia. Identifiers: Orphanet 100, MedGen C0004135, MONDO:0008840, OMIM 208900.

Submission:

Labcorp Genetics (formerly Invitae), Labcorp
Classification: Pathogenic for Ataxia-telangiectasia syndrome. Last evaluated: 2025-04-07. Review status: criteria provided, single submitter. Criteria: Invitae Variant Classification Sherloc (09022015). Collection method: clinical testing. Allele origin: germline.
Comment: This sequence change creates a premature translational stop signal (p.Ser83*) in the ATM gene. It is expected to result in an absent or disrupted protein product. Loss-of-function variants in ATM are known to be pathogenic (PMID: 23807571, 25614872). This variant is not present in population databases (gnomAD no frequency). This variant has not been reported in the literature in individuals affected with ATM-related conditions. ClinVar contains an entry for this variant (Variation ID: 1451743). For these reasons, this variant has been classified as Pathogenic.

Literature cited by the submitters: PubMed 23807571; PubMed 25614872.